The following is an entry in ClinVar:

NM_001257096.2(PAX1):c.*92A>G

Gene: PAX1 (paired box 1; plus strand). Cytogenetic location: 20p11.22.
Variant type: single nucleotide variant.
Coding change: c.*92A>G on transcript NM_001257096.2 (MANE Select); 92 bases downstream of the stop codon, A replaced by G.
Molecular consequence: 3 prime UTR variant. On other transcripts: missense variant (1).
Genome position (GRCh38, 1-based): chr20:21,714,654, A>G. VCF-style: chr20-21714654-A-G. GRCh37 (hg19) VCF-style: chr20-21695292-A-G.
Other names: c.1456A>G, p.Arg486Gly (NM_006192.5); short protein forms R486G.
Identifiers: ClinVar variation 1472777 (VCV001472777.6), dbSNP rs2122150011, ClinGen allele CA408500144.
Genomic context (GRCh38, chr20:21,714,654, plus strand): 5'-GAACGGCAGGCGGACCCGGGCGCACAGGTCTGCGCGGCGGCCCCGGCAATCGGCACGGGC[A>G]GGATCGGAGGACTCGCGGAGGAGGAAGCCAGTGCCGGCCCGCGGGGTGCACGCCCAGCCA-3'

ClinVar aggregate classification (germline): Uncertain significance (1 of 4 stars; one submission).

Allele frequency attached by ClinVar (database versions not stated): gnomAD exomes below 0.00001.
gnomAD v4.1: 1 of 1,597,712 alleles (0.000063%); highest among the groups gnomAD compares: Non-Finnish European, 0.000085%; no homozygotes.

Submission:

Labcorp Genetics (formerly Invitae), Labcorp
Classification: Uncertain significance. Last evaluated: 2024-02-24. Review status: criteria provided, single submitter. Criteria: Invitae Variant Classification Sherloc (09022015). Collection method: clinical testing. Allele origin: germline.
Comment: This sequence change replaces arginine, which is basic and polar, with glycine, which is neutral and non-polar, at codon 486 of the PAX1 protein (p.Arg486Gly). This variant is not present in population databases (gnomAD no frequency). This variant has not been reported in the literature in individuals affected with PAX1-related conditions. ClinVar contains an entry for this variant (Variation ID: 1472777). Algorithms developed to predict the effect of missense changes on protein structure and function output the following: SIFT: "Not Available"; PolyPhen-2: "Benign"; Align-GVGD: "Not Available". The glycine amino acid residue is found in multiple mammalian species, which suggests that this missense change does not adversely affect protein function. In summary, the available evidence is currently insufficient to determine the role of this variant in disease. Therefore, it has been classified as a Variant of Uncertain Significance.